The following is an entry in ClinVar:

NM_001792.5(CDH2):c.1418G>A (p.Gly473Glu)

Gene: CDH2 (cadherin 2; minus strand). Cytogenetic location: 18q12.1.
Variant type: single nucleotide variant.
Coding change: c.1418G>A on transcript NM_001792.5 (MANE Select); coding-DNA position 1418, G replaced by A.
Protein change: p.Gly473Glu; replaces glycine 473 with glutamic acid.
Molecular consequence: missense variant.
Genome position (GRCh38, 1-based): chr18:27,990,277, C>T on the plus strand (G>A on the coding strand, the complement: CDH2 is on the minus strand). VCF-style: chr18-27990277-C-T. GRCh37 (hg19) VCF-style: chr18-25570241-C-T.
Other names: c.1325G>A, p.Gly442Glu (NM_001308176.2); short protein forms G473E, G442E.
Identifiers: ClinVar variation 5034030 (VCV005034030.1).

ClinVar aggregate classification (germline): Uncertain significance (1 of 4 stars; one submission).

Conditions:
Inborn genetic diseases. Identifiers: MedGen C0950123, MeSH D030342.

gnomAD v4.1: 8 of 1,613,886 alleles (0.0005%); highest among the groups gnomAD compares: Non-Finnish European, 0.00068%; no homozygotes.

Submission:

Ambry Genetics
Classification: Uncertain significance for Inborn genetic diseases. Last evaluated: 2026-07-11. Review status: criteria provided, single submitter. Criteria: Ambry Variant Classification Scheme 2023. Collection method: clinical testing. Allele origin: germline.
Comment: The p.G473E variant (also known as c.1418G>A), located in coding exon 10 of the CDH2 gene, results from a G to A substitution at nucleotide position 1418. The glycine at codon 473 is replaced by glutamic acid, an amino acid with similar properties. This amino acid position is conserved. In addition, the in silico prediction for this alteration is inconclusive. Based on the available evidence, the clinical significance of this variant remains unclear.